The following is an entry in ClinVar:

NM_004104.5(FASN):c.4565-3_4565-1dup

Gene: FASN (fatty acid synthase; minus strand). Cytogenetic location: 17q25.3.
Variant type: Duplication.
Coding change: c.4565-3_4565-1dup on transcript NM_004104.5 (MANE Select); 3 bases into the intron before coding-DNA position 4565 through the canonical splice acceptor site of the intron before coding-DNA position 4565, 3 bases duplicated (TAG; older notation c.4565-3_4565-1dupTAG).
Molecular consequence: splice acceptor variant.
Genome position (GRCh38, 1-based): chr17:82,084,717-82,084,719, CTA duplicated on the plus strand (TAG on the coding strand, the reverse complement: FASN is on the minus strand). VCF-style (leftmost placement, unchanged base first): chr17-82084716-T-TCTA. GRCh37 (hg19) VCF-style: chr17-80042592-T-TCTA.
Other names: c.4565-3_4565-1dupTAG (NM_004104.4).
Identifiers: ClinVar variation 462057 (VCV000462057.8), dbSNP rs764277201, ClinGen allele CA8852008.

ClinVar aggregate classification (germline): Uncertain significance. Review status: criteria provided, multiple submitters, no conflicts (2 of 4 stars). 2 submissions from 2 submitters: Uncertain significance (2). Last evaluated 2025-09-24.

Conditions:
Epileptic encephalopathy. Identifiers: MedGen C0543888, HP:0200134.

Allele frequency attached by ClinVar (database versions not stated): gnomAD 0.00009; TOPMed 0.00014; gnomAD exomes 0.00015 and 0.00021; ExAC 0.00025.

Submissions (2):

Labcorp Genetics (formerly Invitae), Labcorp
Classification: Uncertain significance for Epileptic encephalopathy. Last evaluated: 2025-09-24. Review status: criteria provided, single submitter. Criteria: Invitae Variant Classification Sherloc (09022015). Collection method: clinical testing. Allele origin: germline.
Comment: This variant, c.4565-3_4565-1dup, duplicates 3 nucleotides in intron 26 of the FASN mRNA, including the canonical splice site. It is expected to either insert 1 amino acid to the FASN protein (p.Glu1521_Asp1522insVal) or to have no protein effect. This variant is present in population databases (rs764277201, gnomAD 0.03%). This variant has not been reported in the literature in individuals affected with FASN-related conditions. ClinVar contains an entry for this variant (Variation ID: 462057). In summary, the available evidence is currently insufficient to determine the role of this variant in disease. Therefore, it has been classified as a Variant of Uncertain Significance.

Breakthrough Genomics
Classification: Uncertain significance. Review status: criteria provided, single submitter. Criteria: ACMG Guidelines, 2015. Collection method: not provided. Allele origin: germline. Inheritance: Unknown mechanism. Affected: yes.